The following is an entry in ClinVar:

ClinVar aggregate classification (germline): Pathogenic (1 of 4 stars; one submission).

Conditions:
Spinocerebellar ataxia 47 (NEDMSF). Also called: neurodevelopmental disorder with motor abnormalities, seizures, and facial dysmorphism; PADDAS SYNDROME. Identifiers: Orphanet 642747, MedGen C4693672, MONDO:0033482, OMIM 620719.

Submission:

Genetics and Molecular Pathology, SA Pathology
Classification: Pathogenic. Last evaluated: 2020-09-07. Review status: criteria provided, single submitter. Criteria: ACMG Guidelines, 2015. Collection method: clinical testing. Allele origin: germline. Affected: yes.
Comment: A de novo novel heterozygous frameshift variant was detected in the PUM1 gene. Pathogenic PUM1 mutations have been associated with neurodevelopmental disorders and seizures (PMID: 31859446; PMID: 29474920). Alternate transcript isoforms have been described for PUM1; this variant is in exon 2 of transcript NM_001020658.1 and expressed in multiple tissues.

Literature cited by the submitters: PubMed 29474920; PubMed 31859446.

NM_001020658.2(PUM1):c.213dup (p.Ala72fs)

Gene: PUM1 (pumilio RNA binding family member 1; minus strand). Cytogenetic location: 1p35.2.
Variant type: Duplication.
Coding change: c.213dup on transcript NM_001020658.2 (MANE Select); coding-DNA position 213, one base duplicated (T; older notation c.213dupT).
Protein change: p.Ala72fs; shifts the reading frame from alanine 72.
Molecular consequence: frameshift variant.
Genome position (GRCh38, 1-based): chr1:31,059,354, A duplicated on the plus strand (T on the coding strand, the reverse complement: PUM1 is on the minus strand); the first of 2 consecutive A bases (chr1:31,059,354-31,059,355); duplicating either gives the same sequence. VCF-style (leftmost placement, unchanged base first): chr1-31059353-C-CA. GRCh37 (hg19) VCF-style: chr1-31532200-C-CA.
Other names: c.213dup, p.Ala72fs (NM_014676.3); short protein forms A72fs.
Identifiers: ClinVar variation 1698881 (VCV001698881.2), dbSNP rs2124008285, ClinGen allele CA1139532397.